The following is an entry in ClinVar:

NM_015506.3(MMACHC):c.626T>A (p.Val209Glu)

Genes: MMACHC (metabolism of cobalamin associated C; plus strand), LOC129930446 (ATAC-STARR-seq lymphoblastoid active region 972; plus strand). Cytogenetic location: 1p34.1.
Variant type: single nucleotide variant.
Coding change: c.626T>A on transcript NM_015506.3 (MANE Select); coding-DNA position 626, T replaced by A.
Protein change: p.Val209Glu; replaces valine 209 with glutamic acid.
Molecular consequence: missense variant.
Genome position (GRCh38, 1-based): chr1:45,508,992, T>A. VCF-style: chr1-45508992-T-A. GRCh37 (hg19) VCF-style: chr1-45974664-T-A.
Other names: p.Val209Glu; c.626T>A (NM_015506.2); c.455T>A, p.Val152Glu (NM_001330540.2); short protein forms V152E, V209E.
Identifiers: ClinVar variation 2188165 (VCV002188165.9), dbSNP rs376653350, ClinGen allele CA827811.

ClinVar aggregate classification (germline): Uncertain significance. Review status: criteria provided, multiple submitters, no conflicts (2 of 4 stars). 7 submissions from 7 submitters: Uncertain significance (7). Last evaluated 2025-10-27.

Conditions:
Inborn genetic diseases. Identifiers: MedGen C0950123, MeSH D030342.
Cobalamin C disease. Also called: methylmalonic aciduria and homocystinuria type cblC; Methylmalonic aciduria with homocystinuria cblC type; Methylmalonic aciduria and homocystinuria, Vitamin B12-responsive; Vitamin B12 metabolic defect with combined deficiency of methylmalonyl-CoA mutase and homocysteine:methyltetrahydrofolate methyltransferase; Cobalamin-C methylmalonic acidemia and homocystinuria; Methylmalonic acidemia and homocystinuria cblC type. Identifiers: Orphanet 26, Orphanet 79282, MedGen C1848561, MONDO:0010184, OMIM 277400.

Allele frequency attached by ClinVar (database versions not stated): gnomAD 0.00023; ESP Exome Variant Server 0.00024; TOPMed 0.00033.

Submissions (7):

Women's Health and Genetics/Laboratory Corporation of America, LabCorp
Classification: Uncertain significance. Last evaluated: 2025-10-27. Review status: criteria provided, single submitter. Criteria: LabCorp Variant Classification Summary - May 2015. Collection method: clinical testing. Allele origin: germline.
Comment: Variant summary: MMACHC c.626T>A (p.Val209Glu) results in a non-conservative amino acid change in the encoded protein sequence. Algorithms developed to predict the effect of missense changes on protein structure and function all suggest that this variant is likely to be disruptive. The variant allele was found at a frequency of 6.8e-05 in 249550 control chromosomes. This frequency is not significantly higher than estimated for disease-causing variants in MMACHC, allowing no conclusion about variant significance. To our knowledge, no occurrence of c.626T>A in individuals affected with MMACHC-related conditions and no experimental evidence demonstrating its impact on protein function have been reported. ClinVar contains an entry for this variant (Variation ID: 2188165). Based on the evidence outlined above, the variant was classified as uncertain significance.

Labcorp Genetics (formerly Invitae), Labcorp
Classification: Uncertain significance for Cobalamin C disease. Last evaluated: 2024-02-24. Review status: criteria provided, single submitter. Criteria: Invitae Variant Classification Sherloc (09022015). Collection method: clinical testing. Allele origin: germline.
Comment: This sequence change replaces valine, which is neutral and non-polar, with glutamic acid, which is acidic and polar, at codon 209 of the MMACHC protein (p.Val209Glu). This variant is present in population databases (rs376653350, gnomAD 0.08%). This variant has not been reported in the literature in individuals affected with MMACHC-related conditions. ClinVar contains an entry for this variant (Variation ID: 2188165). Advanced modeling of protein sequence and biophysical properties (such as structural, functional, and spatial information, amino acid conservation, physicochemical variation, residue mobility, and thermodynamic stability) has been performed at Invitae for this missense variant, however the output from this modeling did not meet the statistical confidence thresholds required to predict the impact of this variant on MMACHC protein function. In summary, the available evidence is currently insufficient to determine the role of this variant in disease. Therefore, it has been classified as a Variant of Uncertain Significance.

Fulgent Genetics
Classification: Uncertain significance for Cobalamin C disease. Last evaluated: 2024-02-23. Review status: criteria provided, single submitter. Criteria: ACMG Guidelines, 2015. Collection method: clinical testing. Allele origin: germline.

Genome-Nilou Lab
Classification: Uncertain significance for Cobalamin C disease. Last evaluated: 2023-04-11. Review status: criteria provided, single submitter. Criteria: ACMG Guidelines, 2015. Collection method: clinical testing. Allele origin: germline. Affected: no.

Mayo Clinic Laboratories, Mayo Clinic
Classification: Uncertain significance. Last evaluated: 2023-03-22. Review status: criteria provided, single submitter. Criteria: ACMG Guidelines, 2015. Collection method: clinical testing. Allele origin: germline. Observed: 1 variant allele.
Comment: PP3

Blueprint Genetics
Classification: Uncertain significance. Last evaluated: 2022-10-26. Review status: criteria provided, single submitter. Criteria: ACMG Guidelines, 2015. Collection method: clinical testing. Allele origin: germline.

Ambry Genetics
Classification: Uncertain significance for Inborn genetic diseases. Last evaluated: 2021-07-21. Review status: criteria provided, single submitter. Criteria: Ambry Variant Classification Scheme 2023. Collection method: clinical testing. Allele origin: germline.